The following is an entry in ClinVar:

ClinVar aggregate classification (germline): Likely benign. Review status: criteria provided, multiple submitters, no conflicts (2 of 4 stars). 3 submissions from 3 submitters: Likely benign (3). Last evaluated 2026-07-01.

Conditions:
Bethlem myopathy 1A. Also called: MYOPATHY, BENIGN CONGENITAL, WITH CONTRACTURES; Bethlem Muscular Dystrophy; Bethlem myopathy 1. Identifiers: Orphanet 610, MedGen CN029274, MONDO:0024530, OMIM 158810.

Allele frequency attached by ClinVar (database versions not stated): TOPMed 0.00001; gnomAD 0.00002; gnomAD exomes 0.00002 and 0.00003; ExAC 0.00003.
gnomAD v4.1: 30 of 1,614,032 alleles (0.0019%); highest among the groups gnomAD compares: Non-Finnish European, 0.0024%; no homozygotes.

Submissions (3):

CeGaT Center for Human Genetics Tuebingen
Classification: Likely benign. Last evaluated: 2026-07-01. Review status: criteria provided, single submitter. Criteria: CeGaT Center For Human Genetics Tuebingen Variant Classification Criteria Version 2. Collection method: clinical testing. Allele origin: germline. Affected: yes. Observed: 1 variant allele.
Comment: COL6A3: BP4, BP7

Labcorp Genetics (formerly Invitae), Labcorp
Classification: Likely benign for Bethlem myopathy 1A. Last evaluated: 2025-08-11. Review status: criteria provided, single submitter. Criteria: Invitae Variant Classification Sherloc (09022015). Collection method: clinical testing. Allele origin: germline.

GeneDx
Classification: Likely benign. Last evaluated: 2021-01-07. Review status: criteria provided, single submitter. Criteria: GeneDx Variant Classification Process June 2021. Collection method: clinical testing. Allele origin: germline. Affected: yes.

NM_004369.4(COL6A3):c.1857C>T (p.Gly619=)

Gene: COL6A3 (collagen type VI alpha 3 chain; minus strand). Cytogenetic location: 2q37.3.
Variant type: single nucleotide variant.
Coding change: c.1857C>T on transcript NM_004369.4 (MANE Select); coding-DNA position 1857, C replaced by T.
Protein change: p.Gly619=; no amino-acid change (glycine 619 retained).
Molecular consequence: synonymous variant.
Genome position (GRCh38, 1-based): chr2:237,380,955, G>A on the plus strand (C>T on the coding strand, the complement: COL6A3 is on the minus strand). VCF-style: chr2-237380955-G-A. GRCh37 (hg19) VCF-style: chr2-238289598-G-A.
Other names: c.636C>T, p.Gly212= (NM_057164.5, NM_057166.5); c.1239C>T, p.Gly413= (NM_057165.5, NM_057167.4).
Identifiers: ClinVar variation 1326005 (VCV001326005.10), dbSNP rs776665419, ClinGen allele CA2189541.